The following is an entry in ClinVar:

NM_001367721.1(CASK):c.2175T>C (p.Leu725=)

Gene: CASK (calcium/calmodulin dependent serine protein kinase; minus strand). Cytogenetic location: Xp11.4.
Variant type: single nucleotide variant.
Coding change: c.2175T>C on transcript NM_001367721.1 (MANE Select); coding-DNA position 2175, T replaced by C.
Protein change: p.Leu725=; no amino-acid change (leucine 725 retained).
Molecular consequence: synonymous variant.
Genome position (GRCh38, 1-based): chrX:41,534,954, A>G on the plus strand (T>C on the coding strand, the complement: CASK is on the minus strand). VCF-style: chrX-41534954-A-G. GRCh37 (hg19) VCF-style: chrX-41394207-A-G.
Other names: c.2091T>C, p.Leu697= (NM_001126054.3); c.2088T>C, p.Leu696= (NM_001126055.3); c.2157T>C, p.Leu719= (NM_001410745.1); c.2160T>C, p.Leu720= (NM_003688.4).
Identifiers: ClinVar variation 470209 (VCV000470209.21), dbSNP rs757563548, ClinGen allele CA10390063.

ClinVar aggregate classification (germline): Benign/Likely benign. Review status: criteria provided, multiple submitters, no conflicts (2 of 4 stars). 4 submissions from 4 submitters: Benign (1); Likely benign (2). 1 of the submissions does not count toward it. Last evaluated 2025-07-23.

Conditions:
CASK-related disorder. Also called: CASK-related disorders; CASK-related condition.
Inborn genetic diseases. Identifiers: MedGen C0950123, MeSH D030342.
Intellectual disability, CASK-related, X-linked. Identifiers: MedGen CN043158.

Allele frequency attached by ClinVar (database versions not stated): gnomAD exomes 0.00002 and 0.00009; ExAC 0.00006; gnomAD 0.00007 and 0.00009; TOPMed 0.00009.
gnomAD v4.1: 31 of 1,186,093 alleles (0.0026%); highest among the groups gnomAD compares: Admixed American, 0.039%; no homozygotes.

Submissions (4):

Labcorp Genetics (formerly Invitae), Labcorp
Classification: Benign for Intellectual disability, CASK-related, X-linked. Last evaluated: 2025-07-23. Review status: criteria provided, single submitter. Criteria: Invitae Variant Classification Sherloc (09022015). Collection method: clinical testing. Allele origin: germline.

GeneDx
Classification: Likely benign. Last evaluated: 2019-12-04. Review status: criteria provided, single submitter. Criteria: GeneDx Variant Classification Process June 2021. Collection method: clinical testing. Allele origin: germline. Affected: yes.

Ambry Genetics
Classification: Likely benign for Inborn genetic diseases. Last evaluated: 2017-03-20. Review status: criteria provided, single submitter. Criteria: Ambry Variant Classification Scheme 2023. Collection method: clinical testing. Allele origin: germline.

PreventionGenetics, part of Exact Sciences
Classification: Likely benign for CASK-related condition. Last evaluated: 2020-02-24. Review status: no assertion criteria provided. Collection method: clinical testing. Allele origin: germline. Not counted in ClinVar's aggregate classification.
Comment: This variant is classified as likely benign based on ACMG/AMP sequence variant interpretation guidelines (Richards et al. 2015 PMID: 25741868, with internal and published modifications).